The following is an entry in ClinVar:

ClinVar aggregate classification (germline): Uncertain significance (1 of 4 stars; one submission).

Conditions:
Autoimmune lymphoproliferative syndrome, type III caused by mutation in PRKCD. Identifiers: Orphanet 3261, Orphanet 664711, MedGen C3809928, MONDO:8000024, OMIM 615559.

Allele frequency attached by ClinVar (database versions not stated): gnomAD exomes below 0.00001; gnomAD 0.00001; TOPMed 0.00001.
gnomAD v4.1: 3 of 1,613,880 alleles (0.00019%); highest among the groups gnomAD compares: African/African-American, 0.0013%; no homozygotes.

Submission:

Labcorp Genetics (formerly Invitae), Labcorp
Classification: Uncertain significance for Autoimmune lymphoproliferative syndrome, type III caused by mutation in PRKCD. Last evaluated: 2020-06-01. Review status: criteria provided, single submitter. Criteria: Invitae Variant Classification Sherloc (09022015). Collection method: clinical testing. Allele origin: germline.
Comment: This sequence change replaces alanine with valine at codon 290 of the PRKCD protein (p.Ala290Val). The alanine residue is highly conserved and there is a small physicochemical difference between alanine and valine. This variant is not present in population databases (ExAC no frequency). This variant has not been reported in the literature in individuals with PRKCD-related conditions. Algorithms developed to predict the effect of missense changes on protein structure and function are either unavailable or do not agree on the potential impact of this missense change (SIFT: Deleterious; PolyPhen-2: Benign; Align-GVGD: Class C5). In summary, the available evidence is currently insufficient to determine the role of this variant in disease. Therefore, it has been classified as a Variant of Uncertain Significance. 5

NM_006254.4(PRKCD):c.869C>T (p.Ala290Val)

Gene: PRKCD (protein kinase C delta; plus strand). Cytogenetic location: 3p21.1.
Variant type: single nucleotide variant.
Coding change: c.869C>T on transcript NM_006254.4 (MANE Select); coding-DNA position 869, C replaced by T.
Protein change: p.Ala290Val; replaces alanine 290 with valine.
Molecular consequence: missense variant.
Genome position (GRCh38, 1-based): chr3:53,184,955, C>T. VCF-style: chr3-53184955-C-T. GRCh37 (hg19) VCF-style: chr3-53218971-C-T.
Other names: c.869C>T, p.Ala290Val (NM_001316327.2, NM_001354679.2, NM_001354680.2 and 1 more transcripts); c.926C>T, p.Ala309Val (NM_001354676.2); c.917C>T, p.Ala306Val (NM_001354678.2); short protein forms A290V, A306V, A309V.
Identifiers: ClinVar variation 1024798 (VCV001024798.1), dbSNP rs1186631774, ClinGen allele CA353220726.